The following is an entry in ClinVar:

ClinVar aggregate classification (germline): Uncertain significance (1 of 4 stars; one submission).

Submission:

Labcorp Genetics (formerly Invitae), Labcorp
Classification: Uncertain significance. Last evaluated: 2025-11-21. Review status: criteria provided, single submitter. Criteria: Invitae Variant Classification Sherloc (09022015). Collection method: clinical testing. Allele origin: germline.
Comment: This sequence change replaces histidine, which is basic and polar, with arginine, which is basic and polar, at codon 238 of the CDH2 protein (p.His238Arg). This variant is not present in population databases (gnomAD no frequency). This missense change has been observed in individual(s) with clinical features of CDH2-related conditions (PMID: 36307859). ClinVar contains an entry for this variant (Variation ID: 1508996). An algorithm developed to predict the effect of missense changes on protein structure and function (PolyPhen-2) suggests that this variant is likely to be tolerated. In summary, the available evidence is currently insufficient to determine the role of this variant in disease. Therefore, it has been classified as a Variant of Uncertain Significance.

Literature cited by the submitters: PubMed 36307859.

NM_001792.5(CDH2):c.713A>G (p.His238Arg)

Gene: CDH2 (cadherin 2; minus strand). Cytogenetic location: 18q12.1.
Variant type: single nucleotide variant.
Coding change: c.713A>G on transcript NM_001792.5 (MANE Select); coding-DNA position 713, A replaced by G.
Protein change: p.His238Arg; replaces histidine 238 with arginine.
Molecular consequence: missense variant.
Genome position (GRCh38, 1-based): chr18:28,005,983, T>C on the plus strand (A>G on the coding strand, the complement: CDH2 is on the minus strand). VCF-style: chr18-28005983-T-C. GRCh37 (hg19) VCF-style: chr18-25585947-T-C.
Other names: c.620A>G, p.His207Arg (NM_001308176.2); short protein forms H207R, H238R.
Identifiers: ClinVar variation 1508996 (VCV001508996.8), dbSNP rs2144017990, ClinGen allele CA402243355.